The following is an entry in ClinVar:

ClinVar aggregate classification (germline): Uncertain significance (1 of 4 stars; one submission).

Submission:

Labcorp Genetics (formerly Invitae), Labcorp
Classification: Uncertain significance. Last evaluated: 2024-08-15. Review status: criteria provided, single submitter. Criteria: Invitae Variant Classification Sherloc (09022015). Collection method: clinical testing. Allele origin: germline.
Comment: This sequence change replaces arginine, which is basic and polar, with threonine, which is neutral and polar, at codon 1303 of the POLE protein (p.Arg1303Thr). This variant is not present in population databases (gnomAD no frequency). This variant has not been reported in the literature in individuals affected with POLE-related conditions. An algorithm developed to predict the effect of missense changes on protein structure and function (PolyPhen-2) suggests that this variant is likely to be tolerated. In summary, the available evidence is currently insufficient to determine the role of this variant in disease. Therefore, it has been classified as a Variant of Uncertain Significance.

NM_006231.4(POLE):c.3908G>C (p.Arg1303Thr)

Gene: POLE (DNA polymerase epsilon, catalytic subunit; minus strand). Cytogenetic location: 12q24.33.
Variant type: single nucleotide variant.
Coding change: c.3908G>C on transcript NM_006231.4 (MANE Select); coding-DNA position 3908, G replaced by C.
Protein change: p.Arg1303Thr; replaces arginine 1303 with threonine.
Molecular consequence: missense variant.
Genome position (GRCh38, 1-based): chr12:132,649,403, C>G on the plus strand (G>C on the coding strand, the complement: POLE is on the minus strand). VCF-style: chr12-132649403-C-G. GRCh37 (hg19) VCF-style: chr12-133225989-C-G.
Other names: short protein forms R1303T.
Identifiers: ClinVar variation 3662502 (VCV003662502.2).